The following is an entry in ClinVar:

ClinVar aggregate classification (germline): Uncertain significance (1 of 4 stars; one submission).

Allele frequency attached by ClinVar (database versions not stated): gnomAD exomes 0.00001.

Submission:

Labcorp Genetics (formerly Invitae), Labcorp
Classification: Uncertain significance. Last evaluated: 2022-03-29. Review status: criteria provided, single submitter. Criteria: Invitae Variant Classification Sherloc (09022015). Collection method: clinical testing. Allele origin: germline.
Comment: This sequence change replaces glutamic acid, which is acidic and polar, with aspartic acid, which is acidic and polar, at codon 107 of the C1QC protein (p.Glu107Asp). This variant is present in population databases (no rsID available, gnomAD 0.0009%). This variant has not been reported in the literature in individuals affected with C1QC-related conditions. Algorithms developed to predict the effect of missense changes on protein structure and function output the following: SIFT: "Tolerated"; PolyPhen-2: "Benign"; Align-GVGD: "Class C15". The aspartic acid amino acid residue is found in multiple mammalian species, which suggests that this missense change does not adversely affect protein function. In summary, the available evidence is currently insufficient to determine the role of this variant in disease. Therefore, it has been classified as a Variant of Uncertain Significance.

NM_172369.5(C1QC):c.321G>T (p.Glu107Asp)

Gene: C1QC (complement C1q C chain; plus strand). Cytogenetic location: 1p36.12.
Variant type: single nucleotide variant.
Coding change: c.321G>T on transcript NM_172369.5 (MANE Select); coding-DNA position 321, G replaced by T.
Protein change: p.Glu107Asp; replaces glutamic acid 107 with aspartic acid.
Molecular consequence: missense variant.
Genome position (GRCh38, 1-based): chr1:22,647,366, G>T. VCF-style: chr1-22647366-G-T. GRCh37 (hg19) VCF-style: chr1-22973859-G-T.
Other names: c.321G>T, p.Glu107Asp (NM_001114101.3, NM_001347619.2); c.54G>T, p.Glu18Asp (NM_001347620.2); short protein forms E107D, E18D.
Identifiers: ClinVar variation 1972633 (VCV001972633.2), dbSNP rs1446058567, ClinGen allele CA338936007.